The following is an entry in ClinVar:

ClinVar aggregate classification (germline): Uncertain significance (1 of 4 stars; one submission).

Conditions:
Neuronopathy, distal hereditary motor, autosomal recessive 4. Also called: Autosomal recessive lower motor neuron disease with childhood onset; NEUROPATHY, DISTAL HEREDITARY MOTOR, AUTOSOMAL RECESSIVE 4. Identifiers: Orphanet 206580, MedGen C1970211, MONDO:0012608, OMIM 611067.
Charcot-Marie-Tooth disease recessive intermediate C. Also called: CHARCOT-MARIE-TOOTH NEUROPATHY, RECESSIVE INTERMEDIATE C. Identifiers: Orphanet 369867, MedGen C3809309, MONDO:0014154, OMIM 615376.

gnomAD v4.1: 2 of 1,613,972 alleles (0.00012%); highest among the groups gnomAD compares: Non-Finnish European, 0.00017%; no homozygotes.

Submission:

Labcorp Genetics (formerly Invitae), Labcorp
Classification: Uncertain significance for Neuronopathy, distal hereditary motor, autosomal recessive 4; Charcot-Marie-Tooth disease recessive intermediate C. Last evaluated: 2025-11-18. Review status: criteria provided, single submitter. Criteria: Invitae Variant Classification Sherloc (09022015). Collection method: clinical testing. Allele origin: germline.
Comment: This sequence change falls in intron 18 of the PLEKHG5 gene. It does not directly change the encoded amino acid sequence of the PLEKHG5 protein. This variant is present in population databases (rs759767677, gnomAD 0.0009%). This variant has not been reported in the literature in individuals affected with PLEKHG5-related conditions. Algorithms developed to predict the effect of sequence changes on RNA splicing suggest that this variant may disrupt the consensus splice site. In summary, the available evidence is currently insufficient to determine the role of this variant in disease. Therefore, it has been classified as a Variant of Uncertain Significance.

NM_020631.6(PLEKHG5):c.2050-13A>G

Gene: PLEKHG5 (pleckstrin homology and RhoGEF domain containing G5; minus strand). Cytogenetic location: 1p36.31.
Variant type: single nucleotide variant.
Coding change: c.2050-13A>G on transcript NM_020631.6 (MANE Select); 13 bases into the intron before coding-DNA position 2050, A replaced by G.
Molecular consequence: intron variant.
Genome position (GRCh38, 1-based): chr1:6,469,254, T>C on the plus strand (A>G on the coding strand, the complement: PLEKHG5 is on the minus strand). VCF-style: chr1-6469254-T-C. GRCh37 (hg19) VCF-style: chr1-6529314-T-C.
Other names: c.2050-13A>G (NM_198681.4, NM_001265594.3, NM_001042664.2 and 1 more transcripts); c.2161-13A>G (NM_001042663.3, NM_001265592.2); c.2257-13A>G (NM_001265593.2).
Identifiers: ClinVar variation 4790861 (VCV004790861.1).